The following is an entry in ClinVar:

NC_000022.11:g.40345502G>A

Gene: ADSL (adenylosuccinate lyase; plus strand). Cytogenetic location: 22q13.1.
Variant type: single nucleotide variant.
Genome position: GRCh38 VCF-style: chr22-40345502-G-A. GRCh37 (hg19) VCF-style: chr22-40741506-G-A.
Identifiers: ClinVar variation 1516843 (VCV001516843.6), dbSNP rs2044101814, ClinGen allele CA2405715332.

ClinVar aggregate classification (germline): Uncertain significance (1 of 4 stars; one submission).

Conditions:
Adenylosuccinate lyase deficiency (ADSLD). Also called: ADSL DEFICIENCY. Identifiers: Orphanet 46, MedGen C0268126, MONDO:0007068, OMIM 103050.

Allele frequency attached by ClinVar (database versions not stated): TOPMed below 0.00001.

Submission:

Labcorp Genetics (formerly Invitae), Labcorp
Classification: Uncertain significance for Adenylosuccinate lyase deficiency. Last evaluated: 2024-12-02. Review status: criteria provided, single submitter. Criteria: Invitae Variant Classification Sherloc (09022015). Collection method: clinical testing. Allele origin: germline.
Comment: This variant occurs in a non-coding region of the ADSL gene. It does not change the encoded amino acid sequence of the ADSL protein. The frequency data for this variant in the population databases is considered unreliable, as metrics indicate insufficient coverage at this position in the gnomAD database. This variant has not been reported in the literature in individuals affected with ADSL-related conditions. Experimental studies and prediction algorithms are not available or were not evaluated, and the functional significance of this variant is currently unknown. In summary, the available evidence is currently insufficient to determine the role of this variant in disease. Therefore, it has been classified as a Variant of Uncertain Significance.